The following is an entry in ClinVar:

ClinVar aggregate classification (germline): Pathogenic (1 of 4 stars; one submission).

Submission:

Labcorp Genetics (formerly Invitae), Labcorp
Classification: Pathogenic. Last evaluated: 2022-05-15. Review status: criteria provided, single submitter. Criteria: Invitae Variant Classification Sherloc (09022015). Collection method: clinical testing. Allele origin: germline.
Comment: This variant is a gross deletion of the genomic region encompassing exon(s) 1-2 of the CDHR1 gene, which includes the initiator codon. This deletion extends beyond the assayed region for this gene and therefore may encompass additional genes. It is expected to result in an absent or disrupted protein product. Loss-of-function variants in CDHR1 are known to be pathogenic (PMID: 23044944, 23591405, 26103963, 26261414). This variant has not been reported in the literature in individuals affected with CDHR1-related conditions. For these reasons, this variant has been classified as Pathogenic.

Literature cited by the submitters: PubMed 23044944; PubMed 23591405; PubMed 26103963; PubMed 26261414.

NC_000010.10:g.(?_85954517)_(85955365_?)del

Gene: CDHR1 (cadherin related family member 1; plus strand). Cytogenetic location: 10q23.1.
Variant type: Deletion.
Identifiers: ClinVar variation 2427117 (VCV002427117.4).